The following is an entry in ClinVar:

ClinVar aggregate classification (germline): Uncertain significance (1 of 4 stars; one submission).

Submission:

Labcorp Genetics (formerly Invitae), Labcorp
Classification: Uncertain significance. Last evaluated: 2024-10-24. Review status: criteria provided, single submitter. Criteria: Invitae Variant Classification Sherloc (09022015). Collection method: clinical testing. Allele origin: germline.
Comment: This sequence change replaces cysteine, which is neutral and slightly polar, with tryptophan, which is neutral and slightly polar, at codon 5266 of the ADGRV1 protein (p.Cys5266Trp). This variant is not present in population databases (gnomAD no frequency). This variant has not been reported in the literature in individuals affected with ADGRV1-related conditions. ClinVar contains an entry for this variant (Variation ID: 2121407). Invitae Evidence Modeling of protein sequence and biophysical properties (such as structural, functional, and spatial information, amino acid conservation, physicochemical variation, residue mobility, and thermodynamic stability) indicates that this missense variant is not expected to disrupt ADGRV1 protein function with a negative predictive value of 95%. In summary, the available evidence is currently insufficient to determine the role of this variant in disease. Therefore, it has been classified as a Variant of Uncertain Significance.

NM_032119.4(ADGRV1):c.15798T>G (p.Cys5266Trp)

Gene: ADGRV1 (adhesion G protein-coupled receptor V1; plus strand). Cytogenetic location: 5q14.3.
Variant type: single nucleotide variant.
Coding change: c.15798T>G on transcript NM_032119.4 (MANE Select); coding-DNA position 15798, T replaced by G.
Protein change: p.Cys5266Trp; replaces cysteine 5266 with tryptophan.
Molecular consequence: missense variant. On other transcripts: non-coding transcript variant (1).
Genome position (GRCh38, 1-based): chr5:90,811,058, T>G. VCF-style: chr5-90811058-T-G. GRCh37 (hg19) VCF-style: chr5-90106875-T-G.
Other names: short protein forms C5266W.
Identifiers: ClinVar variation 2121407 (VCV002121407.4), dbSNP rs2532191438, ClinGen allele CA360410937.